The following is an entry in ClinVar:

ClinVar aggregate classification (germline): Uncertain significance. Review status: criteria provided, multiple submitters, no conflicts (2 of 4 stars). 2 submissions from 2 submitters: Uncertain significance (2). Last evaluated 2024-10-22.

Conditions:
SLC35A2-congenital disorder of glycosylation. Also called: CONGENITAL DISORDER OF GLYCOSYLATION, TYPE IIm; CDG IIm; CONGENITAL DISORDER OF GLYCOSYLATION, TYPE IIm, SOMATIC MOSAIC; SLC35A2-CDG; DEVELOPMENTAL AND EPILEPTIC ENCEPHALOPATHY 22; EPILEPTIC ENCEPHALOPATHY, EARLY INFANTILE, 22. Identifiers: Orphanet 356961, MedGen C3806688, MONDO:0010478, OMIM 300896.

Allele frequency attached by ClinVar (database versions not stated): gnomAD 0.00001; gnomAD exomes 0.00001; TOPMed 0.00002; ExAC 0.00004.

Submissions (2):

Revvity Omics, Revvity
Classification: Uncertain significance for SLC35A2-congenital disorder of glycosylation. Last evaluated: 2024-10-22. Review status: criteria provided, single submitter. Criteria: ACMG Guidelines, 2015. Collection method: clinical testing. Allele origin: germline.

Labcorp Genetics (formerly Invitae), Labcorp
Classification: Uncertain significance for SLC35A2-congenital disorder of glycosylation. Last evaluated: 2022-09-28. Review status: criteria provided, single submitter. Criteria: Invitae Variant Classification Sherloc (09022015). Collection method: clinical testing. Allele origin: germline.
Comment: This sequence change replaces glycine, which is neutral and non-polar, with serine, which is neutral and polar, at codon 191 of the SLC35A2 protein (p.Gly191Ser). In summary, the available evidence is currently insufficient to determine the role of this variant in disease. Therefore, it has been classified as a Variant of Uncertain Significance. Algorithms developed to predict the effect of missense changes on protein structure and function output the following: SIFT: "Tolerated"; PolyPhen-2: "Benign"; Align-GVGD: "Class C0". The serine amino acid residue is found in multiple mammalian species, which suggests that this missense change does not adversely affect protein function. This variant has not been reported in the literature in individuals affected with SLC35A2-related conditions. This variant is present in population databases (rs781880707, gnomAD 0.04%), including at least one homozygous and/or hemizygous individual.

NM_005660.3(SLC35A2):c.571G>A (p.Gly191Ser)

Gene: SLC35A2 (solute carrier family 35 member A2; minus strand). Cytogenetic location: Xp11.23.
Variant type: single nucleotide variant.
Coding change: c.571G>A on transcript NM_005660.3 (MANE Select); coding-DNA position 571, G replaced by A.
Protein change: p.Gly191Ser; replaces glycine 191 with serine.
Molecular consequence: missense variant. On other transcripts: intron variant (3).
Genome position (GRCh38, 1-based): chrX:48,905,338, C>T on the plus strand (G>A on the coding strand, the complement: SLC35A2 is on the minus strand). VCF-style: chrX-48905338-C-T. GRCh37 (hg19) VCF-style: chrX-48762615-C-T.
Other names: c.571G>A, p.Gly191Ser (NM_001042498.3); c.388G>A, p.Gly130Ser (NM_001282649.2); c.610G>A, p.Gly204Ser (NM_001282650.2); c.655G>A, p.Gly219Ser (NM_001282651.2); c.427-446G>A (NM_001282647.2, NM_001032289.3); c.355-446G>A (NM_001282648.2); short protein forms G204S, G130S, G191S, G219S.
Identifiers: ClinVar variation 2111582 (VCV002111582.7), dbSNP rs781880707, ClinGen allele CA10406113.